The following is an entry in ClinVar:

ClinVar aggregate classification (germline): Uncertain significance (1 of 4 stars; one submission).

gnomAD v4.1: 10 of 1,598,358 alleles (0.00063%); highest among the groups gnomAD compares: Non-Finnish European, 0.00085%; no homozygotes.

Submission:

GeneDx
Classification: Uncertain significance. Last evaluated: 2025-03-29. Review status: criteria provided, single submitter. Criteria: GeneDx Variant Classification Process June 2021. Collection method: clinical testing. Allele origin: germline. Affected: yes.
Comment: Not observed at significant frequency in large population cohorts (gnomAD); In silico analysis supports that this missense variant has a deleterious effect on protein structure/function; Has not been previously published as pathogenic or benign to our knowledge

NM_003978.5(PSTPIP1):c.860A>G (p.Tyr287Cys)

Gene: PSTPIP1 (proline-serine-threonine phosphatase interacting protein 1; plus strand). Cytogenetic location: 15q24.3.
Variant type: single nucleotide variant.
Coding change: c.860A>G on transcript NM_003978.5 (MANE Select); coding-DNA position 860, A replaced by G.
Protein change: p.Tyr287Cys; replaces tyrosine 287 with cysteine.
Molecular consequence: missense variant. On other transcripts: intron variant (1).
Genome position (GRCh38, 1-based): chr15:77,032,883, A>G. VCF-style: chr15-77032883-A-G. GRCh37 (hg19) VCF-style: chr15-77325224-A-G.
Other names: c.833A>G, p.Tyr278Cys (NM_001321136.2); c.1055A>G, p.Tyr352Cys (NM_001321137.1); c.860A>G, p.Tyr287Cys (NM_001411086.1); c.872+455A>G (NM_001321135.2); short protein forms Y278C, Y287C, Y352C.
Identifiers: ClinVar variation 4278670 (VCV004278670.1).